The following is an entry in ClinVar:

NC_012920.1(MT-CYB):m.15617G>A

Gene: MT-CYB (mitochondrially encoded cytochrome b; plus strand).
Variant type: single nucleotide variant.
Genome position: chrM-15617-G-A.
Identifiers: ClinVar variation 693915 (VCV000693915.1), dbSNP rs1556424625, ClinGen allele CA913174367.

ClinVar aggregate classification (germline): Benign (1 of 4 stars; one submission).

Conditions:
Leigh syndrome (NULS). Also called: Leigh's necrotizing encephalopathy; Leigh's disease; Leigh's syndrome; LEIGH SYNDROME, NUCLEAR; Leigh Syndrome (mtDNA deletion); Leigh Disease. Identifiers: Orphanet 506, MedGen C2931891, MONDO:0009723, OMIM 256000.

Submission:

Wong Mito Lab, Molecular and Human Genetics, Baylor College of Medicine
Classification: Benign for Leigh syndrome. Last evaluated: 2019-10-17. Review status: criteria provided, single submitter. Criteria: Modified ACMG Guidelines (Unpublished). Collection method: clinical testing. Allele origin: germline.
Comment: The NC_012920.1:m.15617G>A (YP_003024038.1:p.Val291Ile) variant in MTCYB gene is interpretated to be a Benign variant based on the modified ACMG guidelines (unpublished). This variant meets the following evidence codes: BS1, BS2, BP4